The following is an entry in ClinVar:

ClinVar aggregate classification (germline): Pathogenic/Likely pathogenic. Review status: criteria provided, multiple submitters, no conflicts (2 of 4 stars). 3 submissions from 3 submitters: Pathogenic (1); Likely pathogenic (2). Last evaluated 2023-05-21.

Conditions:
GNE myopathy (NM). Also called: MYOPATHY, DISTAL, WITH OR WITHOUT RIMMED VACUOLES; IBM 2; Inclusion body myopathy autosomal recessive; Inclusion body myopathy quadriceps sparing; NONAKA DISTAL MYOPATHY; INCLUSION BODY MYOPATHY, HEREDITARY, AUTOSOMAL RECESSIVE. Identifiers: Orphanet 602, MedGen C1853926, MONDO:0011603, OMIM 605820.
Sialuria. Also called: Sialic Acid Storage Disease; SIALURIA, FRENCH TYPE. Identifiers: Orphanet 3166, MedGen C0342853, MONDO:0010028, OMIM 269921.

Allele frequency attached by ClinVar (database versions not stated): gnomAD exomes 0.00001.

Submissions (3):

Baylor Genetics
Classification: Likely pathogenic for GNE myopathy. Last evaluated: 2023-05-21. Review status: criteria provided, single submitter. Criteria: ACMG Guidelines, 2015. Collection method: clinical testing. Allele origin: unknown.

Women's Health and Genetics/Laboratory Corporation of America, LabCorp
Classification: Likely pathogenic for GNE myopathy. Last evaluated: 2023-03-24. Review status: criteria provided, single submitter. Criteria: LabCorp Variant Classification Summary - May 2015. Collection method: clinical testing. Allele origin: germline.
Comment: Variant summary: GNE c.1635dupA (p.Asp546ArgfsX3) results in a premature termination codon, predicted to cause a truncation of the encoded protein or absence of the protein due to nonsense mediated decay, which are commonly known mechanisms for disease. Truncations downstream of this position have been classified as pathogenic in ClinVar. The variant was absent in 251490 control chromosomes (gnomAD). To our knowledge, c.1635dupA has not been reported in the literature in individuals affected with Inclusion Body Myopathy 2 and no experimental evidence demonstrating an impact on protein function has been reported. No clinical diagnostic laboratories have submitted clinical-significance assessments for this variant to ClinVar after 2014. Based on the evidence outlined above, the variant was classified as likely pathogenic.

Labcorp Genetics (formerly Invitae), Labcorp
Classification: Pathogenic for Sialuria; GNE myopathy. Last evaluated: 2022-12-07. Review status: criteria provided, single submitter. Criteria: Invitae Variant Classification Sherloc (09022015). Collection method: clinical testing. Allele origin: germline.
Comment: This variant is not present in population databases (gnomAD no frequency). This sequence change creates a premature translational stop signal (p.Asp546Argfs*3) in the GNE gene. It is expected to result in an absent or disrupted protein product. Loss-of-function variants in GNE are known to be pathogenic (PMID: 24027297). For these reasons, this variant has been classified as Pathogenic. Algorithms developed to predict the effect of sequence changes on RNA splicing suggest that this variant may disrupt the consensus splice site. This variant has not been reported in the literature in individuals affected with GNE-related conditions.

Literature cited by the submitters: PubMed 30390020 (cited by Women's Health and Genetics/Laboratory Corporation of America, LabCorp); PubMed 24027297 (cited by Labcorp Genetics (formerly Invitae), Labcorp).

NM_005476.7(GNE):c.1542dup (p.Asp515fs)

Gene: GNE (glucosamine (UDP-N-acetyl)-2-epimerase/N-acetylmannosamine kinase; minus strand). Cytogenetic location: 9p13.3.
Variant type: Duplication.
Coding change: c.1542dup on transcript NM_005476.7 (MANE Select); coding-DNA position 1542, one base duplicated (A; older notation c.1542dupA).
Protein change: p.Asp515fs; shifts the reading frame from aspartic acid 515.
Molecular consequence: frameshift variant. On other transcripts: intron variant (1).
Genome position (GRCh38, 1-based): chr9:36,222,868, T duplicated on the plus strand (A on the coding strand, the reverse complement: GNE is on the minus strand). VCF-style (leftmost placement, unchanged base first): chr9-36222867-C-CT. GRCh37 (hg19) VCF-style: chr9-36222864-C-CT.
Other names: c.1635dupA (NM_001128227.2); c.1635dup, p.Asp546fs (NM_001128227.3); c.1212dup, p.Asp405fs (NM_001190384.3); c.1365dup, p.Asp456fs (NM_001190388.2, NM_001374798.1); c.1389dup, p.Asp464fs (NM_001374797.1); c.1411+505dup (NM_001190383.3); c.1635dup (NM_001128227.2); short protein forms D405fs, D456fs, D464fs, D515fs, D546fs.
Identifiers: ClinVar variation 2501107 (VCV002501107.5), dbSNP rs2489624195, ClinGen allele CA2579338360.